The following is an entry in ClinVar:

ClinVar aggregate classification (germline): Pathogenic/Likely pathogenic. Review status: criteria provided, multiple submitters, no conflicts (2 of 4 stars). 3 submissions from 3 submitters: Pathogenic (2); Likely pathogenic (1). Last evaluated 2023-06-16.

Conditions:
FBN1-related disorder. Also called: FBN1-related disorders.
Familial thoracic aortic aneurysm and aortic dissection (TAAD). Also called: Thoracic aortic aneurysms and dissections. Identifiers: Orphanet 91387, MedGen C4707243, MONDO:0019625.

Submissions (3):

Blueprint Genetics
Classification: Pathogenic for FBN1-related disorders. Last evaluated: 2023-06-16. Review status: criteria provided, single submitter. Criteria: ACMG Guidelines, 2015. Collection method: clinical testing. Allele origin: germline. Affected: yes. Observed: 1 variant allele.

Ambry Genetics
Classification: Pathogenic for Familial thoracic aortic aneurysm and aortic dissection. Last evaluated: 2020-09-25. Review status: criteria provided, single submitter. Criteria: Ambry Variant Classification Scheme 2023. Collection method: clinical testing. Allele origin: germline.
Comment: The c.4211-1G>A intronic pathogenic mutation results from a G to A substitution one nucleotide upstream from coding exon 34 of the FBN1 gene. Alterations that disrupt the canonical splice site are expected to result in aberrant splicing. In silico splice site analysis predicts that this alteration will weaken the native splice acceptor site. The resulting transcript is predicted to be in-frame and is not expected to trigger nonsense-mediated mRNAdecay; however, direct evidence is unavailable. The exact functional effect of the missing amino acids is unknown; however, the impacted region is critical for protein function. In addition, this variant has been detected in an individual with Marfan syndrome (Tjeldhorn L et al. BMC Med. Genet., 2015 Dec;16:113; Vanem TT et al. Am. J. Med. Genet. A, 2020 02;182:397-408). Based on the supporting evidence, this alteration is interpreted as a disease-causing mutation.

GeneDx
Classification: Likely pathogenic. Last evaluated: 2016-11-04. Review status: criteria provided, single submitter. Criteria: GeneDx Variant Classification (06012015). Collection method: clinical testing. Allele origin: germline. Affected: yes.
Comment: The c.4211-1 G>A likely pathogenic variant in the FBN1 gene has previously been reported in apatient who met Ghent criteria for a diagnosis of Marfan syndrome (Tjeldhorn et al., 2015). Thisvariant is not observed in large population cohorts (Lek et al., 2016; 1000 Genomes Consortium etal., 2015; Exome Variant Server). The c.4211-1 G>A variant destroys the canonical splice acceptorsite in intron 34 and is predicted to cause skipping of exon 34. This variant may lead to abnormalgene splicing, resulting in either an abnormal message that is subject to nonsense-mediated mRNAdecay, or to an abnormal protein product if the message is used for protein translation. However, inthe absence of functional mRNA studies, the physiological consequence of this variant cannot beprecisely determined. Nevertheless, other downstream splice site variants in the FBN1 gene have beenreported in HGMD in association with Marfan syndrome (Stenson et al., 2014).

Literature cited by the submitters: PubMed 26684006 (cited by Ambry Genetics); PubMed 31825148 (cited by Ambry Genetics).

NM_000138.5(FBN1):c.4211-1G>A

Genes: FBN1 (fibrillin 1; minus strand), LOC126862124 (CDK7 strongly-dependent group 2 enhancer GRCh37_chr15:48764566-48765765; plus strand). Cytogenetic location: 15q21.1.
Variant type: single nucleotide variant.
Coding change: c.4211-1G>A on transcript NM_000138.5 (MANE Select); the canonical splice acceptor site of the intron before coding-DNA position 4211, G replaced by A.
Molecular consequence: splice acceptor variant.
Genome position (GRCh38, 1-based): chr15:48,472,677, C>T on the plus strand (G>A on the coding strand, the complement: FBN1 is on the minus strand). VCF-style: chr15-48472677-C-T. GRCh37 (hg19) VCF-style: chr15-48764874-C-T.
Other names: c.4211-1G>A (NM_001406716.1).
Identifiers: ClinVar variation 390493 (VCV000390493.5), dbSNP rs1057523796, ClinGen allele CA16606706.
Genomic context (GRCh38, chr15:48,472,677, plus strand): 5'-GTGCATTGAGGCACTGGCCATTGCCACAGAGATTCAGGTTCTCAGAGCACTCATCAAGGT[C>T]TACAGCCAGAAAGAAACACACGTTACTCTTCCTCGGTTAGGGGCTTTCTAATTCCTCAGG-3'